The following is an entry in ClinVar:

NM_000081.4(LYST):c.8536-2A>G

Gene: LYST (lysosomal trafficking regulator; minus strand). Cytogenetic location: 1q42.3.
Variant type: single nucleotide variant.
Coding change: c.8536-2A>G on transcript NM_000081.4 (MANE Select); the canonical splice acceptor site of the intron before coding-DNA position 8536, A replaced by G.
Molecular consequence: splice acceptor variant.
Genome position (GRCh38, 1-based): chr1:235,733,908, T>C on the plus strand (A>G on the coding strand, the complement: LYST is on the minus strand). VCF-style: chr1-235733908-T-C. GRCh37 (hg19) VCF-style: chr1-235897208-T-C.
Other names: c.8536-2A>G (NM_001301365.1).
Identifiers: ClinVar variation 4682002 (VCV004682002.5).

ClinVar aggregate classification (germline): Pathogenic (1 of 4 stars; one submission).

Submission:

CeGaT Center for Human Genetics Tuebingen
Classification: Pathogenic. Last evaluated: 2025-12-01. Review status: criteria provided, single submitter. Criteria: CeGaT Center For Human Genetics Tuebingen Variant Classification Criteria Version 2. Collection method: clinical testing. Allele origin: germline. Affected: yes. Observed: 1 variant allele.
Comment: LYST: PVS1, PM2